The following is an entry in ClinVar:

NM_014363.6(SACS):c.11008_11013del (p.Tyr3670_Gln3671del)

Gene: SACS (sacsin molecular chaperone; minus strand). Cytogenetic location: 13q12.12.
Variant type: Deletion.
Coding change: c.11008_11013del on transcript NM_014363.6 (MANE Select); coding-DNA positions 11008 to 11013, 6 bases deleted (TATCAA; older notation c.11008_11013delTATCAA).
Protein change: p.Tyr3670_Gln3671del.
Molecular consequence: inframe deletion.
Genome position (GRCh38, 1-based): chr13:23,332,863-23,332,868, TTGATA deleted on the plus strand (TATCAA on the coding strand, the reverse complement: SACS is on the minus strand); deleting any 6 consecutive bases within chr13:23,332,863-23,332,872 gives the same sequence; the c. name uses the placement nearest the transcript's 3' end. VCF-style (leftmost placement, unchanged base first): chr13-23332862-CTTGATA-C. GRCh37 (hg19) VCF-style: chr13-23907001-CTTGATA-C.
Other names: c.10567_10572del, p.Tyr3523_Gln3524del (NM_001278055.2).
Identifiers: ClinVar variation 1687446 (VCV001687446.1), dbSNP rs2137570036, ClinGen allele CA2573149121.

ClinVar aggregate classification (germline): Uncertain significance (1 of 4 stars; one submission).

Conditions:
Charlevoix-Saguenay spastic ataxia (SACS). Also called: SPASTIC ATAXIA 6, AUTOSOMAL RECESSIVE; AUTOSOMAL RECESSIVE SPASTIC ATAXIA OF CHARLEVOIX-SAGUENAY; Spastic ataxia of Charlevoix-Saguenay. Identifiers: Orphanet 98, MedGen C1849140, MONDO:0010041, OMIM 270550.

Submission:

3billion
Classification: Uncertain significance for Charlevoix-Saguenay spastic ataxia. Last evaluated: 2022-05-22. Review status: criteria provided, single submitter. Criteria: ACMG Guidelines, 2015. Collection method: clinical testing. Allele origin: germline. Affected: yes. Observed: 1 heterozygote.
Comment: The variant is not observed in the gnomAD v2.1.1 dataset. Inframe deletion located in a nonrepeat region: predicted to change the length of the protein and disrupt normal protein function. Therefore, this variant is classified as uncertain significanceaccording to the recommendation of ACMG/AMP guideline.